The following is an entry in ClinVar:

ClinVar aggregate classification (germline): Likely benign. Review status: criteria provided, multiple submitters, no conflicts (2 of 4 stars). 3 submissions from 3 submitters: Likely benign (2). 1 of the submissions does not count toward it. Last evaluated 2018-06-16.

Conditions:
Neuronal ceroid lipofuscinosis 2. Also called: JANSKY-BIELSCHOWSKY DISEASE NEURONAL CEROID LIPOFUSCINOSIS, LATE INFANTILE; TPP1-Related Neuronal Ceroid-Lipofuscinosis. Identifiers: Orphanet 168491, Orphanet 228349, Orphanet 79264, MedGen C1876161, MONDO:0008769, OMIM 204500.

Allele frequency attached by ClinVar (database versions not stated): ESP Exome Variant Server 0.00015; gnomAD exomes 0.00125 and 0.00520; gnomAD 0.00312 and 0.00325; ExAC 0.00350; TOPMed 0.00538; 1000 Genomes Project 0.00739; 1000 Genomes Project 30x 0.00843.
gnomAD v4.1: 2,331 of 1,614,082 alleles (0.14%); highest among the groups gnomAD compares: Admixed American, 3.6%; 55 homozygotes.

Submissions (3):

GeneDx
Classification: Likely benign. Last evaluated: 2018-06-16. Review status: criteria provided, single submitter. Criteria: GeneDx Variant Classification (06012015). Collection method: clinical testing. Allele origin: germline. Affected: yes.
Comment: This variant is considered likely benign or benign based on one or more of the following criteria: it is a conservative change, it occurs at a poorly conserved position in the protein, it is predicted to be benign by multiple in silico algorithms, and/or has population frequency not consistent with disease.

Breakthrough Genomics
Classification: Likely benign. Review status: criteria provided, single submitter. Criteria: ACMG Guidelines, 2015. Collection method: not provided. Allele origin: germline. Inheritance: Autosomal recessive inheritance. Affected: yes.

Natera, Inc.
Classification: Benign for Neuronal ceroid lipofuscinosis 2. Last evaluated: 2019-10-17. Review status: no assertion criteria provided. Collection method: clinical testing. Allele origin: germline. Not counted in ClinVar's aggregate classification.

NM_000391.4(TPP1):c.381-23G>T

Gene: TPP1 (tripeptidyl peptidase 1; minus strand). Cytogenetic location: 11p15.4.
Variant type: single nucleotide variant.
Coding change: c.381-23G>T on transcript NM_000391.4 (MANE Select); 23 bases into the intron before coding-DNA position 381, G replaced by T.
Molecular consequence: intron variant.
Genome position (GRCh38, 1-based): chr11:6,617,451, C>A on the plus strand (G>T on the coding strand, the complement: TPP1 is on the minus strand). VCF-style: chr11-6617451-C-A. GRCh37 (hg19) VCF-style: chr11-6638682-C-A.
Identifiers: ClinVar variation 670910 (VCV000670910.3), dbSNP rs181191327, ClinGen allele CA5858964.